The following is an entry in ClinVar:

ClinVar aggregate classification (germline): Benign/Likely benign. Review status: criteria provided, multiple submitters, no conflicts (2 of 4 stars). 3 submissions from 3 submitters: Benign (1); Likely benign (2). Last evaluated 2024-03-22.

Conditions:
Classic or attenuated familial adenomatous polyposis. Identifiers: MedGen CN372698, MONDO:0021057.
Familial adenomatous polyposis 1 (FAP1). Also called: FAMILIAL ADENOMATOUS POLYPOSIS 1, ATTENUATED; POLYPOSIS, ADENOMATOUS INTESTINAL. Identifiers: MedGen C2713442, MONDO:0021056, OMIM 175100. Disease mechanism: loss of function.

gnomAD v4.1: 1 of 1,613,866 alleles (0.000062%); no homozygotes.

Submissions (3):

Myriad Genetics, Inc.
Classification: Benign for Familial adenomatous polyposis 1. Last evaluated: 2024-03-22. Review status: criteria provided, single submitter. Criteria: Myriad Autosomal Dominant, Autosomal Recessive and X-Linked Classification Criteria (2023). Collection method: clinical testing. Allele origin: unknown.
Comment: This variant is considered benign. This variant is a silent/synonymous amino acid change and it is not expected to impact splicing.

All of Us Research Program, National Institutes of Health
Classification: Likely benign for Classic or attenuated familial adenomatous polyposis. Last evaluated: 2023-12-13. Review status: criteria provided, single submitter. Criteria: ACMG Guidelines, 2015. Collection method: clinical testing. Allele origin: germline. Inheritance: Autosomal dominant inheritance. Observed: 1 variant allele, 1 heterozygote.
Comment: This study involves interpretation of variants in research participants for the purpose of population health screening. Participant phenotype was not available at the time of variant classification. Additional details can be found in publication PMID: 35346344, PMCID: PMC8962531

Labcorp Genetics (formerly Invitae), Labcorp
Classification: Likely benign for Familial adenomatous polyposis 1. Last evaluated: 2022-10-17. Review status: criteria provided, single submitter. Criteria: Invitae Variant Classification Sherloc (09022015). Collection method: clinical testing. Allele origin: germline.

NM_000038.6(APC):c.3780G>A (p.Gln1260=)

Gene: APC (APC regulator of Wnt signaling pathway; plus strand). Cytogenetic location: 5q22.2.
Variant type: single nucleotide variant.
Coding change: c.3780G>A on transcript NM_000038.6 (MANE Select); coding-DNA position 3780, G replaced by A.
Protein change: p.Gln1260=; no amino-acid change (glutamine 1260 retained).
Molecular consequence: synonymous variant.
Genome position (GRCh38, 1-based): chr5:112,839,374, G>A. VCF-style: chr5-112839374-G-A. GRCh37 (hg19) VCF-style: chr5-112175071-G-A.
Other names: c.3810G>A, p.Gln1270= (NM_001354897.2); c.3705G>A, p.Gln1235= (NM_001354898.2); c.3696G>A, p.Gln1232= (NM_001354899.2); c.3657G>A, p.Gln1219= (NM_001354900.2); c.3603G>A, p.Gln1201= (NM_001354901.2); c.3507G>A, p.Gln1169= (NM_001354902.2); c.3477G>A, p.Gln1159= (NM_001354903.2); c.3402G>A, p.Gln1134= (NM_001354904.2); and 5 more.
Identifiers: ClinVar variation 1134749 (VCV001134749.12), dbSNP rs763668164, ClinGen allele CA445963692.